The following is an entry in ClinVar:

NM_002582.4(PARN):c.709C>T (p.Arg237Ter)

Gene: PARN (poly(A)-specific ribonuclease; minus strand). Cytogenetic location: 16p13.12.
Variant type: single nucleotide variant.
Coding change: c.709C>T on transcript NM_002582.4 (MANE Select); coding-DNA position 709, C replaced by T.
Protein change: p.Arg237Ter; replaces arginine 237 with a stop codon.
Molecular consequence: nonsense.
Genome position (GRCh38, 1-based): chr16:14,604,220, G>A on the plus strand (C>T on the coding strand, the complement: PARN is on the minus strand). VCF-style: chr16-14604220-G-A. GRCh37 (hg19) VCF-style: chr16-14698077-G-A.
Other names: c.526C>T, p.Arg176Ter (NM_001134477.3); c.571C>T, p.Arg191Ter (NM_001242992.2); short protein forms R176*, R191*, R237*.
Identifiers: ClinVar variation 933700 (VCV000933700.18), dbSNP rs760506977, ClinGen allele CA7912316.

ClinVar aggregate classification (germline): Pathogenic/Likely pathogenic. Review status: criteria provided, multiple submitters, no conflicts (2 of 4 stars). 4 submissions from 4 submitters: Pathogenic (3); Likely pathogenic (1). Last evaluated 2024-02-22.

Conditions:
PARN-related disorder. Also called: PARN-related disorders; PARN-related condition.
Dyskeratosis congenita, autosomal recessive 6 (DKCB6). Identifiers: MedGen C4225356, MONDO:0014600, OMIM 616353.
Pulmonary fibrosis and/or bone marrow failure, Telomere-related, 4. Also called: PULMONARY FIBROSIS AND/OR BONE MARROW FAILURE SYNDROME, TELOMERE-RELATED, 4. Identifiers: Orphanet 2032, MedGen C4225347, MONDO:0014612, OMIM 616371.

Allele frequency attached by ClinVar (database versions not stated): gnomAD exomes below 0.00001; TOPMed below 0.00001; ExAC 0.00002.
gnomAD v4.1: 9 of 1,575,604 alleles (0.00057%); highest among the groups gnomAD compares: South Asian, 0.0011%; no homozygotes.

Submissions (4):

Labcorp Genetics (formerly Invitae), Labcorp
Classification: Pathogenic for Dyskeratosis congenita, autosomal recessive 6; Pulmonary fibrosis and/or bone marrow failure, Telomere-related, 4. Last evaluated: 2024-02-22. Review status: criteria provided, single submitter. Criteria: Invitae Variant Classification Sherloc (09022015). Collection method: clinical testing. Allele origin: germline.
Comment: This sequence change creates a premature translational stop signal (p.Arg237*) in the PARN gene. It is expected to result in an absent or disrupted protein product. Loss-of-function variants in PARN are known to be pathogenic (PMID: 9736620, 25848748, 26810774). The frequency data for this variant in the population databases is considered unreliable, as metrics indicate poor data quality at this position in the gnomAD database. This premature translational stop signal has been observed in individual(s) with dyskeratosis congenita asssociated Hoyeraal-Hreidarsson syndrome (PMID: 26810774). ClinVar contains an entry for this variant (Variation ID: 933700). For these reasons, this variant has been classified as Pathogenic.

Blueprint Genetics
Classification: Likely pathogenic for PARN-related disorders. Last evaluated: 2021-11-19. Review status: criteria provided, single submitter. Criteria: ACMG Guidelines, 2015. Collection method: clinical testing. Allele origin: germline. Affected: yes. Observed: 3 variant alleles.

Godley laboratory, The University of Chicago
Classification: Pathogenic for Pulmonary fibrosis and/or bone marrow failure, Telomere-related, 4. Last evaluated: 2020-04-06. Review status: criteria provided, single submitter. Criteria: ACMG Guidelines, 2015. Collection method: clinical testing. Allele origin: germline. Inheritance: Autosomal dominant inheritance. Affected: yes. Observed: 1 heterozygote.
Comment: The following ACMG/AMP criteria were applied: PVS1, PM2, PP3, PP1.

Genetic Services Laboratory, University of Chicago
Classification: Pathogenic. Last evaluated: 2019-01-09. Review status: criteria provided, single submitter. Criteria: ACMG Guidelines, 2015. Collection method: clinical testing. Allele origin: germline. Affected: yes.
Comment: DNA sequence analysis of the PARN gene demonstrated a sequence change, c.709C>T, which results in the creation of a premature stop codon at amino acid position 237, p.Arg237*. This pathogenic sequence change is predicted to result in an abnormal transcript, which may be degraded, or may lead to the production of a truncated PARN protein with potentially abnormal function. This pathogenic sequence change has previously been described in the heterozygous state in a patient with fibrosing nonspecific interstitial pneumonia (Petrovski et al., 2017) and in the compound heterozygous state with a second pathogenic sequence change in a patient with Hoyeraal-Hreidarsson syndrome (Burris et al., 2016).

Literature cited by the submitters: PubMed 9736620 (cited by Labcorp Genetics (formerly Invitae), Labcorp); PubMed 25848748 (cited by Labcorp Genetics (formerly Invitae), Labcorp); PubMed 26810774 (cited by Labcorp Genetics (formerly Invitae), Labcorp and Godley laboratory, The University of Chicago); PubMed 28099038 (cited by Godley laboratory, The University of Chicago).